The following is an entry in ClinVar:

NM_177924.5(ASAH1):c.773A>T (p.Glu258Val)

Gene: ASAH1 (N-acylsphingosine amidohydrolase 1; minus strand). Cytogenetic location: 8p22.
Variant type: single nucleotide variant.
Coding change: c.773A>T on transcript NM_177924.5 (MANE Select); coding-DNA position 773, A replaced by T.
Protein change: p.Glu258Val; replaces glutamic acid 258 with valine.
Molecular consequence: missense variant.
Genome position (GRCh38, 1-based): chr8:18,061,389, T>A on the plus strand (A>T on the coding strand, the complement: ASAH1 is on the minus strand). VCF-style: chr8-18061389-T-A. GRCh37 (hg19) VCF-style: chr8-17918898-T-A.
Other names: c.773A>T (NM_177924.3); c.755A>T, p.Glu252Val (NM_001127505.3); c.578A>T, p.Glu193Val (NM_001363743.2); c.821A>T, p.Glu274Val (NM_004315.6); short protein forms E258V, E193V, E274V, E252V.
Identifiers: ClinVar variation 2148122 (VCV002148122.2), dbSNP rs2537923135, ClinGen allele CA370429273.

ClinVar aggregate classification (germline): Uncertain significance. Review status: criteria provided, multiple submitters, no conflicts (2 of 4 stars). 2 submissions from 2 submitters: Uncertain significance (2). Last evaluated 2025-06-18.

Conditions:
Inborn genetic diseases. Identifiers: MedGen C0950123, MeSH D030342.

Allele frequency attached by ClinVar (database versions not stated): gnomAD exomes below 0.00001.
gnomAD v4.1: 1 of 1,611,594 alleles (0.000062%); highest among the groups gnomAD compares: Admixed American, 0.0017%; no homozygotes.

Submissions (2):

Ambry Genetics
Classification: Uncertain significance for Inborn genetic diseases. Last evaluated: 2025-06-18. Review status: criteria provided, single submitter. Criteria: Ambry Variant Classification Scheme 2023. Collection method: clinical testing. Allele origin: germline.

Labcorp Genetics (formerly Invitae), Labcorp
Classification: Uncertain significance. Last evaluated: 2022-08-21. Review status: criteria provided, single submitter. Criteria: Invitae Variant Classification Sherloc (09022015). Collection method: clinical testing. Allele origin: germline.
Comment: This sequence change replaces glutamic acid, which is acidic and polar, with valine, which is neutral and non-polar, at codon 258 of the ASAH1 protein (p.Glu258Val). This variant is not present in population databases (gnomAD no frequency). This variant has not been reported in the literature in individuals affected with ASAH1-related conditions. Algorithms developed to predict the effect of missense changes on protein structure and function (SIFT, PolyPhen-2, Align-GVGD) all suggest that this variant is likely to be disruptive. Algorithms developed to predict the effect of sequence changes on RNA splicing suggest that this variant may create or strengthen a splice site. In summary, the available evidence is currently insufficient to determine the role of this variant in disease. Therefore, it has been classified as a Variant of Uncertain Significance.